The following is an entry in ClinVar:

NM_001204.7(BMPR2):c.3105G>T (p.Met1035Ile)

Gene: BMPR2 (bone morphogenetic protein receptor type 2; plus strand). Cytogenetic location: 2q33.2.
Variant type: single nucleotide variant.
Coding change: c.3105G>T on transcript NM_001204.7 (MANE Select); coding-DNA position 3105, G replaced by T.
Protein change: p.Met1035Ile; replaces methionine 1035 with isoleucine.
Molecular consequence: missense variant.
Genome position (GRCh38, 1-based): chr2:202,559,934, G>T. VCF-style: chr2-202559934-G-T. GRCh37 (hg19) VCF-style: chr2-203424657-G-T.
Other names: short protein forms M1035I.
Identifiers: ClinVar variation 4540164 (VCV004540164.2).

ClinVar aggregate classification (germline): Uncertain significance. Review status: criteria provided, multiple submitters, no conflicts (2 of 4 stars). 2 submissions from 2 submitters: Uncertain significance (2). Last evaluated 2026-01-12.

Conditions:
Inborn genetic diseases. Identifiers: MedGen C0950123, MeSH D030342.

Submissions (2):

Ambry Genetics
Classification: Uncertain significance for Inborn genetic diseases. Last evaluated: 2026-01-12. Review status: criteria provided, single submitter. Criteria: Ambry Variant Classification Scheme 2023. Collection method: clinical testing. Allele origin: germline.
Comment: The p.M1035I variant (also known as c.3105G>T), located in coding exon 13 of the BMPR2 gene, results from a G to T substitution at nucleotide position 3105. The methionine at codon 1035 is replaced by isoleucine, an amino acid with highly similar properties. This amino acid position is conserved. In addition, this alteration is predicted to be tolerated by in silico analysis. Based on the available evidence, the clinical significance of this variant remains unclear.

GeneDx
Classification: Uncertain significance. Last evaluated: 2025-06-24. Review status: criteria provided, single submitter. Criteria: GeneDx Variant Classification Process June 2021. Collection method: clinical testing. Allele origin: germline. Affected: yes.
Comment: Not observed at significant frequency in large population cohorts (gnomAD); In silico analysis suggests that this missense variant does not alter protein structure/function; Has not been previously published as pathogenic or benign to our knowledge